The following is an entry in ClinVar:

NM_014669.5(NUP93):c.1461C>T (p.Cys487=)

Gene: NUP93 (nucleoporin 93; plus strand). Cytogenetic location: 16q13.
Variant type: single nucleotide variant.
Coding change: c.1461C>T on transcript NM_014669.5 (MANE Select); coding-DNA position 1461, C replaced by T.
Protein change: p.Cys487=; no amino-acid change (cysteine 487 retained).
Molecular consequence: synonymous variant.
Genome position (GRCh38, 1-based): chr16:56,833,330, C>T. VCF-style: chr16-56833330-C-T. GRCh37 (hg19) VCF-style: chr16-56867242-C-T.
Other names: c.1092C>T, p.Cys364= (NM_001242795.2, NM_001242796.2); c.1461C>T (NM_014669.4).
Identifiers: ClinVar variation 2165283 (VCV002165283.7), dbSNP rs773317834, ClinGen allele CA8068434.
Genomic context (GRCh38, chr16:56,833,330, plus strand): 5'-CCTGACAGCGCAGTTTGAAGCAGCAGTTGCCTTTCTTTTCCGCATGGAGCGGCTGCGCTG[C>T]CATGCTGTCCATGTAGCACTGGTGCTGTTTGAGCTGAAGCTGCTTTTAAAGTCCTCTGGA-3'
Protein context (NP_055484.3, residues 477-497): AFLFRMERLR[Cys487=]HAVHVALVLF

ClinVar aggregate classification (germline): Likely benign. Review status: criteria provided, multiple submitters, no conflicts (2 of 4 stars). 3 submissions from 3 submitters: Likely benign (2). 1 of the submissions does not count toward it. Last evaluated 2025-02-16.

Conditions:
NUP93-related disorder. Also called: NUP93-related condition.

Allele frequency attached by ClinVar (database versions not stated): TOPMed 0.00001; gnomAD 0.00003; ExAC 0.00006.
gnomAD v4.1: 19 of 1,606,396 alleles (0.0012%); highest among the groups gnomAD compares: East Asian, 0.025%; no homozygotes.

Submissions (3):

Laboratory of Genetics, Children's Clinical University Hospital Latvia
Classification: Likely benign. Last evaluated: 2025-02-16. Review status: criteria provided, single submitter. Criteria: ACMG Guidelines, 2015. Collection method: clinical testing. Allele origin: germline. Affected: yes.

Labcorp Genetics (formerly Invitae), Labcorp
Classification: Likely benign. Last evaluated: 2022-09-23. Review status: criteria provided, single submitter. Criteria: Invitae Variant Classification Sherloc (09022015). Collection method: clinical testing. Allele origin: germline.

PreventionGenetics, part of Exact Sciences
Classification: Likely benign for NUP93-related condition. Last evaluated: 2021-12-30. Review status: no assertion criteria provided. Collection method: clinical testing. Allele origin: germline. Not counted in ClinVar's aggregate classification.
Comment: This variant is classified as likely benign based on ACMG/AMP sequence variant interpretation guidelines (Richards et al. 2015 PMID: 25741868, with internal and published modifications).